The following is an entry in ClinVar:

ClinVar aggregate classification (germline): Benign/Likely benign. Review status: criteria provided, multiple submitters, no conflicts (2 of 4 stars). 9 submissions from 9 submitters: Benign (4); Likely benign (5). Last evaluated 2026-02-04.

Conditions:
Donnai-Barrow syndrome. Also called: DBS/FOAR SYNDROME; FACIOOCULOACOUSTICORENAL SYNDROME. Identifiers: Orphanet 2143, MedGen C1857277, MONDO:0009104, OMIM 222448.

Allele frequency attached by ClinVar (database versions not stated): gnomAD exomes 0.00096 and 0.00225; ExAC 0.00274; 1000 Genomes Project 0.00879; 1000 Genomes Project 30x 0.00937; gnomAD 0.00956 and 0.01031; ESP Exome Variant Server 0.00976; TOPMed 0.01068.
gnomAD v4.1: 2,913 of 1,613,152 alleles (0.18%); highest among the groups gnomAD compares: African/African-American, 3.4%; 48 homozygotes.

Submissions (9):

Labcorp Genetics (formerly Invitae), Labcorp
Classification: Benign. Last evaluated: 2026-02-04. Review status: criteria provided, single submitter. Criteria: Invitae Variant Classification Sherloc (09022015). Collection method: clinical testing. Allele origin: germline.

Genomic Medicine Center of Excellence, King Faisal Specialist Hospital and Research Centre
Classification: Likely benign. Last evaluated: 2025-08-18. Review status: criteria provided, single submitter. Criteria: ACMG Guidelines, 2015. Collection method: clinical testing. Allele origin: germline.

GeneDx
Classification: Likely benign. Last evaluated: 2024-10-03. Review status: criteria provided, single submitter. Criteria: GeneDx Variant Classification Process June 2021. Collection method: clinical testing. Allele origin: germline. Affected: yes.
Comment: See Variant Classification Assertion Criteria.

Fulgent Genetics
Classification: Likely benign for Donnai-Barrow syndrome. Last evaluated: 2021-10-12. Review status: criteria provided, single submitter. Criteria: ACMG Guidelines, 2015. Collection method: clinical testing. Allele origin: unknown.

Genome-Nilou Lab
Classification: Benign for Donnai-Barrow syndrome. Last evaluated: 2021-07-15. Review status: criteria provided, single submitter. Criteria: ACMG Guidelines, 2015. Collection method: clinical testing. Allele origin: germline. Affected: no.

Illumina Laboratory Services, Illumina
Classification: Benign for Donnai-Barrow syndrome. Last evaluated: 2018-01-13. Review status: criteria provided, single submitter. Criteria: ICSL Variant Classification Criteria 13 December 2019. Collection method: clinical testing. Allele origin: germline.
Comment: This variant was observed in the ICSL laboratory as part of a predisposition screen in an ostensibly healthy population. It had not been previously curated by ICSL or reported in the Human Gene Mutation Database (HGMD: prior to June 1st, 2018), and was therefore a candidate for classification through an automated scoring system. Utilizing variant allele frequency, disease prevalence and penetrance estimates, and inheritance mode, an automated score was calculated to assess if this variant is too frequent to cause the disease. Based on the score and internal cut-off values, a variant classified as benign is not then subjected to further curation. The score for this variant resulted in a classification of benign for this disease.

Center for Pediatric Genomic Medicine, Children's Mercy Hospital and Clinics
Classification: Likely benign. Last evaluated: 2017-02-27. Review status: criteria provided, single submitter. Criteria: ACMG Guidelines, 2015. Collection method: clinical testing. Allele origin: germline.

Genetic Services Laboratory, University of Chicago
Classification: Benign. Last evaluated: 2016-05-04. Review status: criteria provided, single submitter. Criteria: ACMG Guidelines, 2015. Collection method: clinical testing. Allele origin: germline. Affected: no.

Breakthrough Genomics
Classification: Likely benign. Review status: criteria provided, single submitter. Criteria: ACMG Guidelines, 2015. Collection method: not provided. Allele origin: germline. Inheritance: Autosomal recessive inheritance. Affected: yes.

NM_004525.3(LRP2):c.5293G>A (p.Val1765Met)

Gene: LRP2 (LDL receptor related protein 2; minus strand). Cytogenetic location: 2q31.1.
Variant type: single nucleotide variant.
Coding change: c.5293G>A on transcript NM_004525.3 (MANE Select); coding-DNA position 5293, G replaced by A.
Protein change: p.Val1765Met; replaces valine 1765 with methionine.
Molecular consequence: missense variant.
Genome position (GRCh38, 1-based): chr2:169,226,523, C>T on the plus strand (G>A on the coding strand, the complement: LRP2 is on the minus strand). VCF-style: chr2-169226523-C-T. GRCh37 (hg19) VCF-style: chr2-170083033-C-T.
Other names: short protein forms V1765M.
Identifiers: ClinVar variation 129529 (VCV000129529.25), dbSNP rs116456291, ClinGen allele CA153595.